The following is an entry in ClinVar:

NM_001199267.2(DGKZ):c.162-622C>G

Gene: DGKZ (diacylglycerol kinase zeta; plus strand). Cytogenetic location: 11p11.2.
Variant type: single nucleotide variant.
Coding change: c.162-622C>G on transcript NM_001199267.2 (MANE Select); 622 bases into the intron before coding-DNA position 162, C replaced by G.
Molecular consequence: intron variant. On other transcripts: missense variant (1).
Genome position (GRCh38, 1-based): chr11:46,366,669, C>G. VCF-style: chr11-46366669-C-G. GRCh37 (hg19) VCF-style: chr11-46388219-C-G.
Other names: c.413C>G, p.Thr138Ser (NM_001105540.2); c.213-622C>G (NM_201532.3); c.177-622C>G (NM_201533.3); c.162-622C>G (NM_001199266.2, NM_003646.4, NM_001199268.2); short protein forms T138S.
Identifiers: ClinVar variation 3081992 (VCV003081992.3), dbSNP rs1015754656, ClinGen allele CA221603804.

ClinVar aggregate classification (germline): Uncertain significance. Review status: criteria provided, multiple submitters, no conflicts (2 of 4 stars). 2 submissions from 2 submitters: Uncertain significance (2). Last evaluated 2024-11-12.

Allele frequency attached by ClinVar (database versions not stated): gnomAD exomes below 0.00001; gnomAD 0.00003; TOPMed 0.00003.
gnomAD v4.1: 9 of 1,589,442 alleles (0.00057%); highest among the groups gnomAD compares: Admixed American, 0.0089%; no homozygotes.

Submissions (2):

Labcorp Genetics (formerly Invitae), Labcorp
Classification: Uncertain significance. Last evaluated: 2024-11-12. Review status: criteria provided, single submitter. Criteria: Invitae Variant Classification Sherloc (09022015). Collection method: clinical testing. Allele origin: germline.
Comment: This sequence change replaces threonine, which is neutral and polar, with serine, which is neutral and polar, at codon 138 of the DGKZ protein (p.Thr138Ser). This variant is present in population databases (no rsID available, gnomAD 0.01%). This variant has not been reported in the literature in individuals affected with DGKZ-related conditions. ClinVar contains an entry for this variant (Variation ID: 3081992). An algorithm developed to predict the effect of missense changes on protein structure and function outputs the following: PolyPhen-2: "Benign". The serine amino acid residue is found in multiple mammalian species, which suggests that this missense change does not adversely affect protein function. In summary, the available evidence is currently insufficient to determine the role of this variant in disease. Therefore, it has been classified as a Variant of Uncertain Significance.

Ambry Genetics
Classification: Uncertain significance. Last evaluated: 2024-02-28. Review status: criteria provided, single submitter. Criteria: Ambry Variant Classification Scheme 2023. Collection method: clinical testing. Allele origin: germline.